The following is an entry in ClinVar:

ClinVar aggregate classification (germline): Uncertain significance (1 of 4 stars; one submission).

gnomAD v4.1: 1 of 1,600,960 alleles (0.000062%); highest among the groups gnomAD compares: Non-Finnish European, 0.000085%; no homozygotes.

Submission:

GeneDx
Classification: Uncertain significance. Last evaluated: 2025-07-18. Review status: criteria provided, single submitter. Criteria: GeneDx Variant Classification Process June 2021. Collection method: clinical testing. Allele origin: germline. Affected: yes.
Comment: In silico analysis supports a deleterious effect on splicing; Has not been previously published as pathogenic or benign to our knowledge

NM_007192.4(SUPT16H):c.1665G>A (p.Lys555=)

Gene: SUPT16H (SPT16 homolog, facilitates chromatin remodeling subunit; minus strand). Cytogenetic location: 14q11.2.
Variant type: single nucleotide variant.
Coding change: c.1665G>A on transcript NM_007192.4 (MANE Select); coding-DNA position 1665, G replaced by A.
Protein change: p.Lys555=; no amino-acid change (lysine 555 retained).
Molecular consequence: synonymous variant.
Genome position (GRCh38, 1-based): chr14:21,362,794, C>T on the plus strand (G>A on the coding strand, the complement: SUPT16H is on the minus strand). VCF-style: chr14-21362794-C-T. GRCh37 (hg19) VCF-style: chr14-21830953-C-T.
Identifiers: ClinVar variation 4686529 (VCV004686529.1).
Genomic context (GRCh38, chr14:21,362,794, plus strand): 5'-AATACAATTACTATTTTAAGCAACAGTTTGGATGAAACCTGATGCACTGAATGTCAGTAC[C>T]TTGATTGTGGCAATGTGAAACGGTGTTGCAATGCCAAACACGGGCATTATTACAGTCTCA-3'
Protein context (NP_009123.1, residues 545-565): IATPFHIATI[Lys555=]NISMSVEGDY